The following is an entry in ClinVar:

ClinVar aggregate classification (germline): Uncertain significance (1 of 4 stars; one submission).

Conditions:
Alstrom syndrome (ALMS). Identifiers: Orphanet 64, MedGen C0268425, MONDO:0008763, OMIM 203800.

Submission:

Labcorp Genetics (formerly Invitae), Labcorp
Classification: Uncertain significance for Alstrom syndrome. Last evaluated: 2022-04-24. Review status: criteria provided, single submitter. Criteria: Invitae Variant Classification Sherloc (09022015). Collection method: clinical testing. Allele origin: germline.
Comment: This sequence change replaces glutamine, which is neutral and polar, with leucine, which is neutral and non-polar, at codon 1465 of the ALMS1 protein (p.Gln1465Leu). This variant is not present in population databases (gnomAD no frequency). This variant has not been reported in the literature in individuals affected with ALMS1-related conditions. Experimental studies and prediction algorithms are not available or were not evaluated, and the functional significance of this variant is currently unknown. In summary, the available evidence is currently insufficient to determine the role of this variant in disease. Therefore, it has been classified as a Variant of Uncertain Significance.

NM_001378454.1(ALMS1):c.4391A>T (p.Gln1464Leu)

Gene: ALMS1 (ALMS1 centrosome and basal body associated protein; plus strand). Cytogenetic location: 2p13.1.
Variant type: single nucleotide variant.
Coding change: c.4391A>T on transcript NM_001378454.1 (MANE Select); coding-DNA position 4391, A replaced by T.
Protein change: p.Gln1464Leu; replaces glutamine 1464 with leucine.
Molecular consequence: missense variant.
Genome position (GRCh38, 1-based): chr2:73,450,918, A>T. VCF-style: chr2-73450918-A-T. GRCh37 (hg19) VCF-style: chr2-73678045-A-T.
Other names: c.4394A>T, p.Gln1465Leu (NM_015120.4); short protein forms Q1465L, Q1464L.
Identifiers: ClinVar variation 2130212 (VCV002130212.4), dbSNP rs1419972472, ClinGen allele CA347278443.